The following is an entry in ClinVar:

ClinVar aggregate classification (germline): Conflicting classifications of pathogenicity. Review status: criteria provided, conflicting classifications (1 of 4 stars). 2 submissions from 2 submitters: Likely pathogenic (1); Uncertain significance (1). Last evaluated 2023-11-03.

Conditions:
Glycogen storage disease, type II (IOPD). Also called: Glucosidase acid-1,4-alpha deficiency; Deficiency of lysosomal alpha-glucosidase; Glycogen storage disease type 2; Acid maltase deficiency disease; Aglucosidase alfa; Deficiency of alpha-glucosidase. Identifiers: Orphanet 365, MedGen C0017921, MONDO:0009290, OMIM 232300.

Submissions (2):

Mayo Clinic Laboratories, Mayo Clinic
Classification: Uncertain significance. Last evaluated: 2023-11-03. Review status: criteria provided, single submitter. Criteria: ACMG Guidelines, 2015. Collection method: clinical testing. Allele origin: germline. Observed: 1 variant allele.
Comment: PP3, PM2, PM5

Labcorp Genetics (formerly Invitae), Labcorp
Classification: Likely pathogenic for Glycogen storage disease, type II. Last evaluated: 2022-09-20. Review status: criteria provided, single submitter. Criteria: Invitae Variant Classification Sherloc (09022015). Collection method: clinical testing. Allele origin: germline.
Comment: In summary, the currently available evidence indicates that the variant is pathogenic, but additional data are needed to prove that conclusively. Therefore, this variant has been classified as Likely Pathogenic. This variant disrupts the p.Arg437 amino acid residue in GAA. Other variant(s) that disrupt this residue have been determined to be pathogenic (PMID: 12601120, 17805474, 29124014). This suggests that this residue is clinically significant, and that variants that disrupt this residue are likely to be disease-causing. Algorithms developed to predict the effect of missense changes on protein structure and function (SIFT, PolyPhen-2, Align-GVGD) all suggest that this variant is likely to be tolerated. This variant has not been reported in the literature in individuals affected with GAA-related conditions. This variant is not present in population databases (gnomAD no frequency). This sequence change replaces arginine, which is basic and polar, with serine, which is neutral and polar, at codon 437 of the GAA protein (p.Arg437Ser).

Literature cited by the submitters: PubMed 12601120 (cited by Labcorp Genetics (formerly Invitae), Labcorp); PubMed 17805474 (cited by Labcorp Genetics (formerly Invitae), Labcorp); PubMed 29124014 (cited by Labcorp Genetics (formerly Invitae), Labcorp).

NM_000152.5(GAA):c.1309C>A (p.Arg437Ser)

Gene: GAA (alpha glucosidase; plus strand). Cytogenetic location: 17q25.3.
Variant type: single nucleotide variant.
Coding change: c.1309C>A on transcript NM_000152.5 (MANE Select); coding-DNA position 1309, C replaced by A.
Protein change: p.Arg437Ser; replaces arginine 437 with serine.
Molecular consequence: missense variant.
Genome position (GRCh38, 1-based): chr17:80,108,811, C>A. VCF-style: chr17-80108811-C-A. GRCh37 (hg19) VCF-style: chr17-78082610-C-A.
Other names: p.Arg437Ser; c.1309C>A, p.Arg437Ser (NM_001079803.3, NM_001079804.3, NM_001406741.1 and 1 more transcripts); short protein forms R437S.
Identifiers: ClinVar variation 2155070 (VCV002155070.5), dbSNP rs770610356, ClinGen allele CA401365399.
Genomic context (GRCh38, chr17:80,108,811, plus strand): 5'-AACAAGGATGGCTTCCGGGACTTCCCGGCCATGGTGCAGGAGCTGCACCAGGGCGGCCGG[C>A]GCTACATGATGATCGTGGTGTGTGCCCCCACACTGTGGGTCTTTGGGAAGGGGGCCGCCC-3'
Protein context (NP_000143.2, residues 427-447): MVQELHQGGR[Arg437Ser]YMMIVDPAIS